The following is an entry in ClinVar:

ClinVar aggregate classification (germline): Likely benign. Review status: criteria provided, multiple submitters, no conflicts (2 of 4 stars). 3 submissions from 3 submitters: Likely benign (3). Last evaluated 2026-06-16.

Conditions:
WFS1-related disorder. Identifiers: MedGen CN379391, MONDO:0700293.

gnomAD v4.1: 21 of 1,614,006 alleles (0.0013%); highest among the groups gnomAD compares: East Asian, 0.029%; no homozygotes.

Submissions (3):

PreventionGenetics, part of Exact Sciences
Classification: Likely benign for WFS1-related condition. Last evaluated: 2026-06-16. Review status: criteria provided, single submitter. Criteria: ACMG Guidelines, 2015. Collection method: clinical testing. Allele origin: germline.
Comment: This variant is classified as likely benign based on ACMG/AMP sequence variant interpretation guidelines (Richards et al. 2015 PMID: 25741868, with internal and published modifications).

Labcorp Genetics (formerly Invitae), Labcorp
Classification: Likely benign. Last evaluated: 2025-12-08. Review status: criteria provided, single submitter. Criteria: Invitae Variant Classification Sherloc (09022015). Collection method: clinical testing. Allele origin: germline.

Blueprint Genetics
Classification: Likely benign. Last evaluated: 2024-07-30. Review status: criteria provided, single submitter. Criteria: ACMG Guidelines, 2015. Collection method: clinical testing. Allele origin: germline.

NM_006005.3(WFS1):c.1806G>T (p.Ala602=)

Gene: WFS1 (wolframin ER transmembrane glycoprotein; plus strand). Cytogenetic location: 4p16.1.
Variant type: single nucleotide variant.
Coding change: c.1806G>T on transcript NM_006005.3 (MANE Select); coding-DNA position 1806, G replaced by T.
Protein change: p.Ala602=; no amino-acid change (alanine 602 retained).
Molecular consequence: synonymous variant.
Genome position (GRCh38, 1-based): chr4:6,301,601, G>T. VCF-style: chr4-6301601-G-T. GRCh37 (hg19) VCF-style: chr4-6303328-G-T.
Other names: c.1806G>T, p.Ala602= (NM_001145853.1).
Identifiers: ClinVar variation 2156458 (VCV002156458.6), dbSNP rs142295878, ClinGen allele CA2839501.